The following is an entry in ClinVar:

ClinVar aggregate classification (germline): Likely benign. Review status: criteria provided, multiple submitters, no conflicts (2 of 4 stars). 3 submissions from 3 submitters: Likely benign (3). Last evaluated 2025-10-25.

Conditions:
Hereditary cancer-predisposing syndrome. Also called: Tumor predisposition; Hereditary Cancer Syndrome; Neoplastic Syndromes, Hereditary; Hereditary neoplastic syndrome. Identifiers: Orphanet 140162, MedGen C0027672, MeSH D009386, MONDO:0015356.
Gorlin syndrome. Also called: Nevoid Basal Cell Carcinoma Syndrome; Basal cell nevus syndrome. Identifiers: Orphanet 377, MedGen C0004779, MONDO:0007187.

gnomAD v4.1: 2 of 1,246,948 alleles (0.00016%); highest among the groups gnomAD compares: Non-Finnish European, 0.0002%; no homozygotes.

Submissions (3):

Ambry Genetics
Classification: Likely benign for Hereditary cancer-predisposing syndrome. Last evaluated: 2025-10-25. Review status: criteria provided, single submitter. Criteria: Ambry Variant Classification Scheme 2023. Collection method: clinical testing. Allele origin: germline.

CeGaT Center for Human Genetics Tuebingen
Classification: Likely benign. Last evaluated: 2025-08-01. Review status: criteria provided, single submitter. Criteria: CeGaT Center For Human Genetics Tuebingen Variant Classification Criteria Version 2. Collection method: clinical testing. Allele origin: germline. Affected: yes. Observed: 1 variant allele.
Comment: PTCH1: BP4, BP7

Labcorp Genetics (formerly Invitae), Labcorp
Classification: Likely benign for Gorlin syndrome. Last evaluated: 2025-02-26. Review status: criteria provided, single submitter. Criteria: Invitae Variant Classification Sherloc (09022015). Collection method: clinical testing. Allele origin: germline.

NM_000264.5(PTCH1):c.18C>T (p.Asn6=)

Genes: PTCH1 (patched 1; minus strand), LOC130002133 (ATAC-STARR-seq lymphoblastoid silent region 20071; plus strand). Cytogenetic location: 9q22.32.
Variant type: single nucleotide variant.
Coding change: c.18C>T on transcript NM_000264.5 (MANE Select); coding-DNA position 18, C replaced by T.
Protein change: p.Asn6=; no amino-acid change (asparagine 6 retained).
Molecular consequence: synonymous variant. On other transcripts: non-coding transcript variant (1), intron variant (3).
Genome position (GRCh38, 1-based): chr9:95,508,344, G>A on the plus strand (C>T on the coding strand, the complement: PTCH1 is on the minus strand). VCF-style: chr9-95508344-G-A. GRCh37 (hg19) VCF-style: chr9-98270626-G-A.
Other names: c.18C>T, p.Asn6= (NM_001354918.2); c.199-1745C>T (NM_001083603.3); c.4-1745C>T (NM_001083602.3, NM_001354919.2).
Identifiers: ClinVar variation 237460 (VCV000237460.19), dbSNP rs878853848, ClinGen allele CA10582691.